The following is an entry in ClinVar:

NM_152703.5(SAMD9L):c.1819C>A (p.His607Asn)

Gene: SAMD9L (sterile alpha motif domain containing 9 like; minus strand). Cytogenetic location: 7q21.2.
Variant type: single nucleotide variant.
Coding change: c.1819C>A on transcript NM_152703.5 (MANE Select); coding-DNA position 1819, C replaced by A.
Protein change: p.His607Asn; replaces histidine 607 with asparagine.
Molecular consequence: missense variant.
Genome position (GRCh38, 1-based): chr7:93,134,153, G>T on the plus strand (C>A on the coding strand, the complement: SAMD9L is on the minus strand). VCF-style: chr7-93134153-G-T. GRCh37 (hg19) VCF-style: chr7-92763466-G-T.
Other names: c.1819C>A, p.His607Asn (NM_001303496.3, NM_001303497.3, NM_001303498.3 and 5 more transcripts); short protein forms H607N.
Identifiers: ClinVar variation 3949833 (VCV003949833.1).
Genomic context (GRCh38, chr7:93,134,153, plus strand): 5'-CCGATTTTAGTTTAAGGATAGTGCTGTTTACCAGTTCTATATTTAAAGTGGAAATACTGT[G>T]GTTTGTTAGTTCATCTTCCATCTTCATTCTTGTTTGTAGTAGATCTTTCCATCGTTGATA-3'
Protein context (NP_689916.2, residues 597-617): RMKMEDELTN[His607Asn]SISTLNIELV

ClinVar aggregate classification (germline): Uncertain significance (1 of 4 stars; one submission).

Conditions:
Inborn genetic diseases. Identifiers: MedGen C0950123, MeSH D030342.

Submission:

Ambry Genetics
Classification: Uncertain significance for Inborn genetic diseases. Last evaluated: 2025-04-12. Review status: criteria provided, single submitter. Criteria: Ambry Variant Classification Scheme 2023. Collection method: clinical testing. Allele origin: germline.
Comment: The p.H607N variant (also known as c.1819C>A), located in coding exon 1 of the SAMD9L gene, results from a C to A substitution at nucleotide position 1819. The histidine at codon 607 is replaced by asparagine, an amino acid with similar properties. This amino acid position is conserved. In addition, this alteration is predicted to be tolerated by in silico analysis. Based on the available evidence, the clinical significance of this variant remains unclear.